The following is an entry in ClinVar:

ClinVar aggregate classification (germline): Uncertain significance (1 of 4 stars; one submission).

Conditions:
Noonan syndrome 9 (NS9). Identifiers: Orphanet 648, MedGen C4225282, MONDO:0014691, OMIM 616559.

Allele frequency attached by ClinVar (database versions not stated): gnomAD exomes below 0.00001.
gnomAD v4.1: 2 of 1,600,866 alleles (0.00012%); highest among the groups gnomAD compares: Non-Finnish European, 0.00017%; no homozygotes.

Submission:

Labcorp Genetics (formerly Invitae), Labcorp
Classification: Uncertain significance for Noonan syndrome 9. Last evaluated: 2023-12-04. Review status: criteria provided, single submitter. Criteria: Invitae Variant Classification Sherloc (09022015). Collection method: clinical testing. Allele origin: germline.
Comment: This sequence change replaces isoleucine, which is neutral and non-polar, with valine, which is neutral and non-polar, at codon 837 of the SOS2 protein (p.Ile837Val). This variant is not present in population databases (gnomAD no frequency). This variant has not been reported in the literature in individuals affected with SOS2-related conditions. ClinVar contains an entry for this variant (Variation ID: 1440323). Advanced modeling of protein sequence and biophysical properties (such as structural, functional, and spatial information, amino acid conservation, physicochemical variation, residue mobility, and thermodynamic stability) performed at Invitae indicates that this missense variant is not expected to disrupt SOS2 protein function with a negative predictive value of 95%. In summary, the available evidence is currently insufficient to determine the role of this variant in disease. Therefore, it has been classified as a Variant of Uncertain Significance.

NM_006939.4(SOS2):c.2509A>G (p.Ile837Val)

Gene: SOS2 (SOS Ras/Rho guanine nucleotide exchange factor 2; minus strand). Cytogenetic location: 14q21.3.
Variant type: single nucleotide variant.
Coding change: c.2509A>G on transcript NM_006939.4 (MANE Select); coding-DNA position 2509, A replaced by G.
Protein change: p.Ile837Val; replaces isoleucine 837 with valine.
Molecular consequence: missense variant.
Genome position (GRCh38, 1-based): chr14:50,145,328, T>C on the plus strand (A>G on the coding strand, the complement: SOS2 is on the minus strand). VCF-style: chr14-50145328-T-C. GRCh37 (hg19) VCF-style: chr14-50612046-T-C.
Other names: short protein forms I837V.
Identifiers: ClinVar variation 1440323 (VCV001440323.6), dbSNP rs1469543967, ClinGen allele CA389643232.
Genomic context (GRCh38, chr14:50,145,328, plus strand): 5'-GAATTTCTATAATTCTACTTAGTACTGCCACCCGTTCTTCAAAATTTTCTGCTTCCACAA[T>C]GCATCTAACAACAACAAAAATTCATGGCTTAGAAAAGTTTCTTCACCTCACTTAGAAAAC-3'
Protein context (NP_008870.2, residues 827-847): TNLTLWFEKC[Ile837Val]VEAENFEERV